The following is an entry in ClinVar:

ClinVar aggregate classification (germline): Benign/Likely benign. Review status: criteria provided, multiple submitters, no conflicts (2 of 4 stars). 5 submissions from 5 submitters: Benign (1); Likely benign (4). Last evaluated 2025-07-21.

Conditions:
Tuberous sclerosis syndrome (TSC). Also called: Tuberous Sclerosis Complex; Tuberous sclerosis. Identifiers: Orphanet 805, MedGen C0041341, MONDO:0001734.
Hereditary cancer-predisposing syndrome. Also called: Tumor predisposition; Neoplastic Syndromes, Hereditary; Hereditary Cancer Syndrome; Hereditary neoplastic syndrome. Identifiers: Orphanet 140162, MedGen C0027672, MeSH D009386, MONDO:0015356.
Tuberous sclerosis 2 (TSC2). Identifiers: Orphanet 805, MedGen C1860707, MONDO:0013199, OMIM 613254.

Allele frequency attached by ClinVar (database versions not stated): gnomAD exomes below 0.00001; ExAC 0.00001; gnomAD 0.00001; TOPMed 0.00001.
gnomAD v4.1: 10 of 1,614,058 alleles (0.00062%); highest among the groups gnomAD compares: South Asian, 0.0022%; no homozygotes.

Submissions (5):

Labcorp Genetics (formerly Invitae), Labcorp
Classification: Likely benign for Tuberous sclerosis 2. Last evaluated: 2025-07-21. Review status: criteria provided, single submitter. Criteria: Invitae Variant Classification Sherloc (09022015). Collection method: clinical testing. Allele origin: germline.

Myriad Genetics, Inc.
Classification: Benign for Tuberous sclerosis 2. Last evaluated: 2025-05-07. Review status: criteria provided, single submitter. Criteria: Myriad Autosomal Dominant, Autosomal Recessive and X-Linked Classification Criteria (2023). Collection method: clinical testing. Allele origin: unknown.
Comment: This variant is considered benign. This variant is a silent/synonymous amino acid change and it is not expected to impact splicing.

All of Us Research Program, National Institutes of Health
Classification: Likely benign for Tuberous sclerosis syndrome. Last evaluated: 2024-07-29. Review status: criteria provided, single submitter. Criteria: ACMG Guidelines, 2015. Collection method: clinical testing. Allele origin: germline. Inheritance: Autosomal dominant inheritance. Observed: 1 variant allele, 1 heterozygote.
Comment: This study involves interpretation of variants in research participants for the purpose of population health screening. Participant phenotype was not available at the time of variant classification. Additional details can be found in publication PMID: 35346344, PMCID: PMC8962531

Sema4
Classification: Likely benign for Hereditary cancer-predisposing syndrome. Last evaluated: 2021-11-01. Review status: criteria provided, single submitter. Criteria: Sema4 Curation Guidelines. Collection method: curation. Allele origin: germline.

Ambry Genetics
Classification: Likely benign for Hereditary cancer-predisposing syndrome. Last evaluated: 2018-04-04. Review status: criteria provided, single submitter. Criteria: Ambry Variant Classification Scheme 2023. Collection method: clinical testing. Allele origin: germline.

NM_000548.5(TSC2):c.558C>T (p.Phe186=)

Gene: TSC2 (TSC complex subunit 2; plus strand). Cytogenetic location: 16p13.3.
Variant type: single nucleotide variant.
Coding change: c.558C>T on transcript NM_000548.5 (MANE Select); coding-DNA position 558, C replaced by T.
Protein change: p.Phe186=; no amino-acid change (phenylalanine 186 retained).
Molecular consequence: synonymous variant. On other transcripts: intron variant (1).
Genome position (GRCh38, 1-based): chr16:2,055,478, C>T. VCF-style: chr16-2055478-C-T. GRCh37 (hg19) VCF-style: chr16-2105479-C-T.
Other names: c.558C>T, p.Phe186= (NM_001077183.3, NM_001114382.3, NM_001363528.2 and 3 more transcripts); c.447C>T, p.Phe149= (NM_001318827.2); c.411C>T, p.Phe137= (NM_001318829.2); c.591C>T, p.Phe197= (NM_001318832.2); c.-1-718C>T (NM_001318831.2).
Identifiers: ClinVar variation 413628 (VCV000413628.18), dbSNP rs775642056, ClinGen allele CA055391.